The following is an entry in ClinVar:

ClinVar aggregate classification (germline): Uncertain significance. Review status: criteria provided, multiple submitters, no conflicts (2 of 4 stars). 3 submissions from 3 submitters: Uncertain significance (3). Last evaluated 2022-07-06.

Conditions:
Hereditary cancer-predisposing syndrome. Also called: Hereditary Cancer Syndrome; Tumor predisposition; Hereditary neoplastic syndrome; Neoplastic Syndromes, Hereditary. Identifiers: Orphanet 140162, MedGen C0027672, MeSH D009386, MONDO:0015356.
Hereditary nonpolyposis colorectal neoplasms. Identifiers: MedGen C0009405, MeSH D003123.

Submissions (3):

Labcorp Genetics (formerly Invitae), Labcorp
Classification: Uncertain significance for Hereditary nonpolyposis colorectal neoplasms. Last evaluated: 2022-07-06. Review status: criteria provided, single submitter. Criteria: Invitae Variant Classification Sherloc (09022015). Collection method: clinical testing. Allele origin: germline.
Comment: This variant is not present in population databases (gnomAD no frequency). This sequence change results in a frameshift in the MSH6 gene (p.Ile1357Argfs*13). While this is not anticipated to result in nonsense mediated decay, it is expected to disrupt the last 4 amino acid(s) of the MSH6 protein and extend the protein by 8 additional amino acid residues. This variant has not been reported in the literature in individuals affected with MSH6-related conditions. Experimental studies and prediction algorithms are not available or were not evaluated, and the functional significance of this variant is currently unknown. In summary, the available evidence is currently insufficient to determine the role of this variant in disease. Therefore, it has been classified as a Variant of Uncertain Significance. ClinVar contains an entry for this variant (Variation ID: 644925).

GeneDx
Classification: Uncertain significance. Last evaluated: 2022-01-28. Review status: criteria provided, single submitter. Criteria: GeneDx Variant Classification Process June 2021. Collection method: clinical testing. Allele origin: germline. Affected: yes.
Comment: Frameshift variant predicted to result in late termination, as the last 4 amino acids are replaced with 12 different amino acids; Not observed at significant frequency in large population cohorts (gnomAD); Has not been previously published as pathogenic or benign to our knowledge; This variant is associated with the following publications: (PMID: 17531815, 21120944, 12019211)

Ambry Genetics
Classification: Uncertain significance for Hereditary cancer-predisposing syndrome. Last evaluated: 2021-11-04. Review status: criteria provided, single submitter. Criteria: Ambry Variant Classification Scheme 2023. Collection method: clinical testing. Allele origin: germline.
Comment: The c.4068_4071delGATT variant, located in coding exon 10 of the MSH6 gene, results from a deletion of 4 nucleotides at nucleotide positions 4068 to 4071, causing a translational frameshift with a predicted alternate stop codon (p.I1357Rfs*13). This variant is considered to be rare based on population cohorts in the Genome Aggregation Database (gnomAD). This alteration occurs at the 3' terminus of theMSH6 gene, is not expected to trigger nonsense-mediated mRNAdecay and results in the elongation of the protein by 8 amino acids. This frameshift impacts the last 4amino acids of the native protein. The exact functional effect of the altered amino acids is unknown. Since supporting evidence is limited at this time, the clinical significance of this alteration remains unclear.

NM_000179.3(MSH6):c.4068_4071del (p.Ile1357fs)

Gene: MSH6 (mutS homolog 6; plus strand). Cytogenetic location: 2p16.3.
Variant type: Deletion.
Coding change: c.4068_4071del on transcript NM_000179.3 (MANE Select); coding-DNA positions 4068 to 4071, 4 bases deleted (GATT; older notation c.4068_4071delGATT).
Protein change: p.Ile1357fs; shifts the reading frame from isoleucine 1357.
Molecular consequence: frameshift variant.
Genome position (GRCh38, 1-based): chr2:47,806,845-47,806,848, GATT deleted; deleting any 4 consecutive bases within chr2:47,806,843-47,806,848 gives the same sequence; the c. name uses the placement nearest the transcript's 3' end. VCF-style (leftmost placement, unchanged base first): chr2-47806842-TTTGA-T. GRCh37 (hg19) VCF-style: chr2-48033981-TTTGA-T.
Other names: c.3678_3681del, p.Ile1227fs (NM_001281492.2); c.3162_3165del, p.Ile1055fs (NM_001281493.2, NM_001281494.2); c.4068_4071delGATT (NM_000179.2); short protein forms I1357fs, I1055fs, I1227fs.
Identifiers: ClinVar variation 644925 (VCV000644925.14), dbSNP rs55740729, ClinGen allele CA915943993.
Genomic context (GRCh38, chr2:47,806,842, plus strand): 5'-AGTTTGCCTGGCTAGTGAAAGGTCAACTGTAGATGCTGAAGCTGTCCATAAATTGCTGAC[TTTGA>T]TTAAGGAATTATAGACTGACTACATTGGAAGCTTTGAGTTGACTTCTGACAAAGGTGGTA-3'